The following is an entry in ClinVar:

NM_000097.7(CPOX):c.761C>T (p.Ala254Val)

Gene: CPOX (coproporphyrinogen oxidase; minus strand). Cytogenetic location: 3q11.2.
Variant type: single nucleotide variant.
Coding change: c.761C>T on transcript NM_000097.7 (MANE Select); coding-DNA position 761, C replaced by T.
Protein change: p.Ala254Val; replaces alanine 254 with valine.
Molecular consequence: missense variant.
Genome position (GRCh38, 1-based): chr3:98,590,682, G>A on the plus strand (C>T on the coding strand, the complement: CPOX is on the minus strand). VCF-style: chr3-98590682-G-A. GRCh37 (hg19) VCF-style: chr3-98309526-G-A.
Other names: short protein forms A254V.
Identifiers: ClinVar variation 1449162 (VCV001449162.6), dbSNP rs145716622, ClinGen allele CA2511618.

ClinVar aggregate classification (germline): Uncertain significance (1 of 4 stars; one submission).

Allele frequency attached by ClinVar (database versions not stated): gnomAD exomes 0.00001 and 0.00003; ExAC 0.00006; ESP Exome Variant Server 0.00015; gnomAD 0.00015 and 0.00016; TOPMed 0.00015; 1000 Genomes Project 30x 0.00016; 1000 Genomes Project 0.00020.
gnomAD v4.1: 35 of 1,614,088 alleles (0.0022%); highest among the groups gnomAD compares: African/African-American, 0.044%; no homozygotes.

Submission:

Labcorp Genetics (formerly Invitae), Labcorp
Classification: Uncertain significance. Last evaluated: 2025-08-10. Review status: criteria provided, single submitter. Criteria: Invitae Variant Classification Sherloc (09022015). Collection method: clinical testing. Allele origin: germline.
Comment: This sequence change replaces alanine, which is neutral and non-polar, with valine, which is neutral and non-polar, at codon 254 of the CPOX protein (p.Ala254Val). This variant is present in population databases (rs145716622, gnomAD 0.05%). This variant has not been reported in the literature in individuals affected with CPOX-related conditions. ClinVar contains an entry for this variant (Variation ID: 1449162). Invitae Evidence Modeling of protein sequence and biophysical properties (such as structural, functional, and spatial information, amino acid conservation, physicochemical variation, residue mobility, and thermodynamic stability) indicates that this missense variant is not expected to disrupt CPOX protein function with a negative predictive value of 80%. In summary, the available evidence is currently insufficient to determine the role of this variant in disease. Therefore, it has been classified as a Variant of Uncertain Significance.